The following is an entry in ClinVar:

ClinVar aggregate classification (germline): Uncertain significance. Review status: criteria provided, multiple submitters, no conflicts (2 of 4 stars). 2 submissions from 2 submitters: Uncertain significance (2). Last evaluated 2026-05-06.

Conditions:
Hereditary sensory and autonomic neuropathy type 6. Also called: HSAN VI; Neuropathy, hereditary sensory and autonomic, type VI. Identifiers: Orphanet 314381, MedGen C3539003, MONDO:0013839, OMIM 614653.
Epidermolysis bullosa simplex 3, localized or generalized intermediate, with BP230 deficiency (EBS3). Also called: Epidermolysis bullosa simplex, autosomal recessive 2; Epidermolysis bullosa simplex due to BP230 deficiency. Identifiers: Orphanet 412181, MedGen C3809470, MONDO:0014180, OMIM 615425.
DST-related disorder. Also called: DST-related condition; DST-related disorders.

Allele frequency attached by ClinVar (database versions not stated): gnomAD 0.00001; gnomAD exomes 0.00001 and 0.00002; TOPMed 0.00001.
gnomAD v4.1: 32 of 1,613,482 alleles (0.002%); highest among the groups gnomAD compares: Non-Finnish European, 0.0025%; no homozygotes.

Submissions (2):

PreventionGenetics, part of Exact Sciences
Classification: Uncertain significance for DST-related condition. Last evaluated: 2026-05-06. Review status: criteria provided, single submitter. Criteria: ACMG Guidelines, 2015. Collection method: clinical testing. Allele origin: germline.
Comment: The DST c.15172A>G variant is predicted to result in the amino acid substitution p.Lys5058Glu. To our knowledge, this variant has not been reported in the literature. This variant is reported in 0.0018% of alleles in individuals of European (Non-Finnish) descent in gnomAD. At this time, the clinical significance of this variant is uncertain due to the absence of conclusive functional and genetic evidence.

Labcorp Genetics (formerly Invitae), Labcorp
Classification: Uncertain significance for Epidermolysis bullosa simplex 3, localized or generalized intermediate, with BP230 deficiency; Hereditary sensory and autonomic neuropathy type 6. Last evaluated: 2022-04-03. Review status: criteria provided, single submitter. Criteria: Invitae Variant Classification Sherloc (09022015). Collection method: clinical testing. Allele origin: germline.
Comment: The DST gene has multiple clinically relevant transcripts. This variant occurs in alternate transcript NM_015548.4, and corresponds to NM_001723.5:c.*133465A>G in the primary transcript. This sequence change replaces lysine, which is basic and polar, with glutamic acid, which is acidic and polar, at codon 4554 of the DST protein (p.Lys4554Glu). This variant is present in population databases (rs542330527, gnomAD 0.002%). This variant has not been reported in the literature in individuals affected with DST-related conditions. Experimental studies and prediction algorithms are not available or were not evaluated, and the functional significance of this variant is currently unknown. In summary, the available evidence is currently insufficient to determine the role of this variant in disease. Therefore, it has been classified as a Variant of Uncertain Significance.

NM_001374736.1(DST):c.21529A>G (p.Lys7177Glu)

Gene: DST (dystonin; minus strand). Cytogenetic location: 6p12.1.
Variant type: single nucleotide variant.
Coding change: c.21529A>G on transcript NM_001374736.1 (MANE Select); coding-DNA position 21529, A replaced by G.
Protein change: p.Lys7177Glu; replaces lysine 7177 with glutamic acid.
Molecular consequence: missense variant.
Genome position (GRCh38, 1-based): chr6:56,482,052, T>C on the plus strand (A>G on the coding strand, the complement: DST is on the minus strand). VCF-style: chr6-56482052-T-C. GRCh37 (hg19) VCF-style: chr6-56346850-T-C.
Other names: c.15172A>G, p.Lys5058Glu (NM_001144769.5); c.14758A>G, p.Lys4920Glu (NM_001144770.2); c.21529A>G, p.Lys7177Glu (NM_001374722.1); c.20569A>G, p.Lys6857Glu (NM_001374729.1); c.14311A>G, p.Lys4771Glu (NM_001374730.1); c.21556A>G, p.Lys7186Glu (NM_001374734.1); c.14638A>G, p.Lys4880Glu (NM_001386100.1, NM_183380.4); c.13660A>G, p.Lys4554Glu (NM_015548.5); and 1 more; short protein forms K4554E, K4771E, K4880E, K4920E, K5058E, K6857E, K7177E, K7186E.
Identifiers: ClinVar variation 1059190 (VCV001059190.10), dbSNP rs542330527, ClinGen allele CA139179206.